The following is an entry in ClinVar:

ClinVar aggregate classification (germline): Pathogenic (1 of 4 stars; one submission).

Submission:

GeneDx
Classification: Pathogenic. Last evaluated: 2016-12-20. Review status: criteria provided, single submitter. Criteria: GeneDx Variant Classification (06012015). Collection method: clinical testing. Allele origin: germline. Affected: yes.
Comment: The c.2402-1 G>A splice site variant in the DOCK8 gene destroys the canonical splice acceptor site in intron 20. It is predicted to cause abnormal gene splicing, either leading to an abnormal message that is subject to nonsense-mediated mRNA decay, or to an abnormal protein product if the message is used for protein translation. The variant was not observed in approximately 6,500 individuals of European and African American ancestry in the NHLBI Exome Sequencing Project, indicating it is not a common benign variant in these populations.

NM_203447.4(DOCK8):c.2606-1G>A

Gene: DOCK8 (dedicator of cytokinesis 8; plus strand). Cytogenetic location: 9p24.3.
Variant type: single nucleotide variant.
Coding change: c.2606-1G>A on transcript NM_203447.4 (MANE Select); the canonical splice acceptor site of the intron before coding-DNA position 2606, G replaced by A.
Molecular consequence: splice acceptor variant.
Genome position (GRCh38, 1-based): chr9:382,512, G>A. VCF-style: chr9-382512-G-A. GRCh37 (hg19) VCF-style: chr9-382512-G-A.
Other names: c.2402-1G>A (NM_001193536.2, NM_001190458.2).
Identifiers: ClinVar variation 280306 (VCV000280306.2), dbSNP rs886041535, ClinGen allele CA10603106.
Genomic context (GRCh38, chr9:382,512, plus strand): 5'-AAACTCAGTAAGTAACTCTGTTCCCCTGTCTGTTGACATGTCTCTGCCTGGTGGGGTGCA[G>A]GCGCTCCCACTGCCCTCCTAGACCCTCGGAGCTACCACACGTATGGCCGCACATCAGCTG-3'